The following is an entry in ClinVar:

ClinVar aggregate classification (germline): Likely benign (1 of 4 stars; one submission).

gnomAD v4.1: 455 of 1,614,158 alleles (0.028%); highest among the groups gnomAD compares: African/African-American, 0.53%; 1 homozygote.

Submission:

CeGaT Center for Human Genetics Tuebingen
Classification: Likely benign. Last evaluated: 2026-07-01. Review status: criteria provided, single submitter. Criteria: CeGaT Center For Human Genetics Tuebingen Variant Classification Criteria Version 2. Collection method: clinical testing. Allele origin: germline. Affected: yes. Observed: 2 variant alleles.
Comment: HERC2: BP4, BP7

NM_004667.6(HERC2):c.14328G>A (p.Val4776=)

Gene: HERC2 (HECT and RLD domain containing E3 ubiquitin protein ligase 2; minus strand). Cytogenetic location: 15q13.1.
Variant type: single nucleotide variant.
Coding change: c.14328G>A on transcript NM_004667.6 (MANE Select); coding-DNA position 14328, G replaced by A.
Protein change: p.Val4776=; no amino-acid change (valine 4776 retained).
Molecular consequence: synonymous variant.
Genome position (GRCh38, 1-based): chr15:28,111,940, C>T on the plus strand (G>A on the coding strand, the complement: HERC2 is on the minus strand). VCF-style: chr15-28111940-C-T. GRCh37 (hg19) VCF-style: chr15-28357086-C-T.
Identifiers: ClinVar variation 4084256 (VCV004084256.8).